The following is an entry in ClinVar:

NM_003850.3(SUCLA2):c.1147C>T (p.Arg383Cys)

Gene: SUCLA2 (succinate-CoA ligase ADP-forming subunit beta; minus strand). Cytogenetic location: 13q14.2.
Variant type: single nucleotide variant.
Coding change: c.1147C>T on transcript NM_003850.3 (MANE Select); coding-DNA position 1147, C replaced by T.
Protein change: p.Arg383Cys; replaces arginine 383 with cysteine.
Molecular consequence: missense variant.
Genome position (GRCh38, 1-based): chr13:47,949,564, G>A on the plus strand (C>T on the coding strand, the complement: SUCLA2 is on the minus strand). VCF-style: chr13-47949564-G-A. GRCh37 (hg19) VCF-style: chr13-48523699-G-A.
Other names: c.1147C>T (NM_003850.2); short protein forms R383C.
Identifiers: ClinVar variation 1406674 (VCV001406674.3), dbSNP rs781744671, ClinGen allele CA6977828.

ClinVar aggregate classification (germline): Uncertain significance. Review status: criteria provided, multiple submitters, no conflicts (2 of 4 stars). 2 submissions from 2 submitters: Uncertain significance (2). Last evaluated 2023-07-28.

Conditions:
Mitochondrial DNA depletion syndrome, encephalomyopathic form with methylmalonic aciduria (MTDPS5). Also called: SUCLA2-Related Mitochondrial DNA Depletion Syndrome, Encephalomyopathic Form with Methylmalonic Aciduria; Mitochondrial encephalomyopathy aminoacidopathy; MITOCHONDRIAL DNA DEPLETION SYNDROME, ENCEPHALOMYOPATHIC FORM, WITH OR WITHOUT METHYLMALONIC ACIDURIA, AUTOSOMAL RECESSIVE, SUCLA2-RELATED; Mitochondrial DNA depletion syndrome 5 (encephalomyopathic with or without methylmalonic aciduria). Identifiers: Orphanet 1933, MedGen C5980207, MONDO:0012791, OMIM 612073.

Allele frequency attached by ClinVar (database versions not stated): gnomAD 0.00001; ExAC 0.00002; gnomAD exomes 0.00002.
gnomAD v4.1: 27 of 1,613,198 alleles (0.0017%); highest among the groups gnomAD compares: East Asian, 0.011%; no homozygotes.

Submissions (2):

Women's Health and Genetics/Laboratory Corporation of America, LabCorp
Classification: Uncertain significance. Last evaluated: 2023-07-28. Review status: criteria provided, single submitter. Criteria: LabCorp Variant Classification Summary - May 2015. Collection method: clinical testing. Allele origin: germline.
Comment: Variant summary: SUCLA2 c.1147C>T (p.Arg383Cys) results in a non-conservative amino acid change located in the ATP-citrate lyase/succinyl-CoA ligase (IPR005811) of the encoded protein sequence. Five of five in-silico tools predict a damaging effect of the variant on protein function. The variant allele was found at a frequency of 2e-05 in 251190 control chromosomes. The available data on variant occurrences in the general population are insufficient to allow any conclusion about variant significance. To our knowledge, no occurrence of c.1147C>T in individuals affected with Mitochondrial DNA Depletion Syndrome, Encephalomyopathic Form With Methylmalonic Aciduria and no experimental evidence demonstrating its impact on protein function have been reported. One submitter has cited clinical-significance assessments for this variant to ClinVar after 2014 and has classified the variant as uncertain significance. Based on the evidence outlined above, the variant was classified as uncertain significance.

Labcorp Genetics (formerly Invitae), Labcorp
Classification: Uncertain significance for Mitochondrial DNA depletion syndrome, encephalomyopathic form with methylmalonic aciduria. Last evaluated: 2022-06-06. Review status: criteria provided, single submitter. Criteria: Invitae Variant Classification Sherloc (09022015). Collection method: clinical testing. Allele origin: germline.
Comment: This sequence change replaces arginine, which is basic and polar, with cysteine, which is neutral and slightly polar, at codon 383 of the SUCLA2 protein (p.Arg383Cys). This variant is present in population databases (rs781744671, gnomAD 0.006%). This variant has not been reported in the literature in individuals affected with SUCLA2-related conditions. ClinVar contains an entry for this variant (Variation ID: 1406674). Algorithms developed to predict the effect of missense changes on protein structure and function (SIFT, PolyPhen-2, Align-GVGD) all suggest that this variant is likely to be disruptive. In summary, the available evidence is currently insufficient to determine the role of this variant in disease. Therefore, it has been classified as a Variant of Uncertain Significance.